The following is an entry in ClinVar:

ClinVar aggregate classification (germline): Likely benign. Review status: criteria provided, multiple submitters, no conflicts (2 of 4 stars). 3 submissions from 3 submitters: Likely benign (3). Last evaluated 2025-11-01.

Conditions:
Familial thoracic aortic aneurysm and aortic dissection (TAAD). Also called: Thoracic aortic aneurysms and dissections. Identifiers: Orphanet 91387, MedGen C4707243, MONDO:0019625.
Marfan syndrome (MFS). Also called: MARFAN SYNDROME, TYPE I; FBN1-Related Marfan Syndrome; Marfan syndrome, classic; Marfan syndrome type 1; Marfan's syndrome. Identifiers: Orphanet 284963, Orphanet 558, MedGen C0024796, MONDO:0007947, OMIM 154700.

Submissions (3):

CeGaT Center for Human Genetics Tuebingen
Classification: Likely benign. Last evaluated: 2025-11-01. Review status: criteria provided, single submitter. Criteria: CeGaT Center For Human Genetics Tuebingen Variant Classification Criteria Version 2. Collection method: clinical testing. Allele origin: germline. Affected: yes. Observed: 1 variant allele.
Comment: FBN1: PM2:Supporting, BP4, BP7

Labcorp Genetics (formerly Invitae), Labcorp
Classification: Likely benign for Marfan syndrome; Familial thoracic aortic aneurysm and aortic dissection. Last evaluated: 2024-11-06. Review status: criteria provided, single submitter. Criteria: Invitae Variant Classification Sherloc (09022015). Collection method: clinical testing. Allele origin: germline.

All of Us Research Program, National Institutes of Health
Classification: Likely benign for Marfan syndrome. Last evaluated: 2023-12-13. Review status: criteria provided, single submitter. Criteria: ACMG Guidelines, 2015. Collection method: clinical testing. Allele origin: germline. Inheritance: Autosomal dominant inheritance. Observed: 1 variant allele, 1 heterozygote.
Comment: This study involves interpretation of variants in research participants for the purpose of population health screening. Participant phenotype was not available at the time of variant classification. Additional details can be found in publication PMID: 35346344, PMCID: PMC8962531

NM_000138.5(FBN1):c.8478C>G (p.Thr2826=)

Gene: FBN1 (fibrillin 1; minus strand). Cytogenetic location: 15q21.1.
Variant type: single nucleotide variant.
Coding change: c.8478C>G on transcript NM_000138.5 (MANE Select); coding-DNA position 8478, C replaced by G.
Protein change: p.Thr2826=; no amino-acid change (threonine 2826 retained).
Molecular consequence: synonymous variant.
Genome position (GRCh38, 1-based): chr15:48,411,128, G>C on the plus strand (C>G on the coding strand, the complement: FBN1 is on the minus strand). VCF-style: chr15-48411128-G-C. GRCh37 (hg19) VCF-style: chr15-48703325-G-C.
Identifiers: ClinVar variation 775967 (VCV000775967.12), dbSNP rs1597506683, ClinGen allele CA490118921.